The following is an entry in ClinVar:

NM_006386.5(DDX17):c.548T>C (p.Met183Thr)

Gene: DDX17 (DEAD-box helicase 17; minus strand). Cytogenetic location: 22q13.1.
Variant type: single nucleotide variant.
Coding change: c.548T>C on transcript NM_006386.5 (MANE Select); coding-DNA position 548, T replaced by C.
Protein change: p.Met183Thr; replaces methionine 183 with threonine.
Molecular consequence: missense variant.
Genome position (GRCh38, 1-based): chr22:38,498,564, A>G on the plus strand (T>C on the coding strand, the complement: DDX17 is on the minus strand). VCF-style: chr22-38498564-A-G. GRCh37 (hg19) VCF-style: chr22-38894569-A-G.
Other names: c.548T>C, p.Met183Thr (NM_001098504.2); short protein forms M183T.
Identifiers: ClinVar variation 3767613 (VCV003767613.1).
Genomic context (GRCh38, chr22:38,498,564, plus strand): 5'-GGAAATCCCTGGCACTGAATTGGAGTTGGTTCTGTAAAGTGCTGATCCATCAACACATCC[A>G]TTACATATTCTGTAAGAGAATTTTATTTTGCGTATTTTATTGTGTTTAAAGACACAAACC-3'
Protein context (NP_006377.2, residues 173-193): FHHANFPQYV[Met183Thr]DVLMDQHFTE

ClinVar aggregate classification (germline): Uncertain significance (1 of 4 stars; one submission).

Submission:

GeneDx
Classification: Uncertain significance. Last evaluated: 2024-09-05. Review status: criteria provided, single submitter. Criteria: GeneDx Variant Classification Process June 2021. Collection method: clinical testing. Allele origin: germline. Affected: yes.
Comment: Not observed at significant frequency in large population cohorts (gnomAD); In silico analysis supports that this missense variant has a deleterious effect on protein structure/function; Has not been previously published as pathogenic or benign to our knowledge; Variants in candidate genes are classified as variants of uncertain significance in accordance with ACMG guidelines (Richards et al., 2015)